The following is an entry in ClinVar:

NM_004544.4(NDUFA10):c.*3544C>T

Gene: NDUFA10 (NADH:ubiquinone oxidoreductase subunit A10; minus strand). Cytogenetic location: 2q37.3.
Variant type: single nucleotide variant.
Coding change: c.*3544C>T on transcript NM_004544.4 (MANE Select); 3544 bases downstream of the stop codon, C replaced by T.
Molecular consequence: 3 prime UTR variant. On other transcripts: non-coding transcript variant (3).
Genome position (GRCh38, 1-based): chr2:239,957,574, G>A on the plus strand (C>T on the coding strand, the complement: NDUFA10 is on the minus strand). VCF-style: chr2-239957574-G-A. GRCh37 (hg19) VCF-style: chr2-240896991-G-A.
Other names: c.*3549C>T (NM_001322020.2).
Identifiers: ClinVar variation 897120 (VCV000897120.4), dbSNP rs114944621, ClinGen allele CA68046669.

ClinVar aggregate classification (germline): Benign/Likely benign. Review status: criteria provided, single submitter (1 of 4 stars). 2 submissions from 1 submitter: Benign (1); Likely benign (1). Last evaluated 2018-01-13.

Conditions:
Mitochondrial complex I deficiency, nuclear type 1. Also called: NADH-COENZYME Q REDUCTASE DEFICIENCY; MITOCHONDRIAL NADH DEHYDROGENASE COMPONENT OF COMPLEX I, DEFICIENCY OF. Identifiers: MedGen C6022305, MONDO:0100224, OMIM 252010.
Leigh syndrome (NULS). Also called: Leigh Disease; Subacute necrotizing encephalopathy; Leigh Syndrome (mtDNA deletion); Leigh's syndrome; Leigh's necrotizing encephalopathy; Leigh's disease. Identifiers: Orphanet 506, MedGen C2931891, MONDO:0009723, OMIM 256000.

Allele frequency attached by ClinVar (database versions not stated): gnomAD 0.00956 and 0.01013; 1000 Genomes Project 0.01078; TOPMed 0.01093; 1000 Genomes Project 30x 0.01124.

Submissions (2):

Illumina Laboratory Services, Illumina
Classification: Benign for Leigh syndrome. Last evaluated: 2018-01-13. Review status: criteria provided, single submitter. Criteria: ICSL Variant Classification Criteria 13 December 2019. Collection method: clinical testing. Allele origin: germline.
Comment: This variant was observed in the ICSL laboratory as part of a predisposition screen in an ostensibly healthy population. It had not been previously curated by ICSL or reported in the Human Gene Mutation Database (HGMD: prior to June 1st, 2018), and was therefore a candidate for classification through an automated scoring system. Utilizing variant allele frequency, disease prevalence and penetrance estimates, and inheritance mode, an automated score was calculated to assess if this variant is too frequent to cause the disease. Based on the score and internal cut-off values, a variant classified as benign is not then subjected to further curation. The score for this variant resulted in a classification of benign for this disease.

Illumina Laboratory Services, Illumina
Classification: Likely benign for Mitochondrial complex I deficiency, nuclear type 1. Last evaluated: 2018-01-13. Review status: criteria provided, single submitter. Criteria: ICSL Variant Classification Criteria 13 December 2019. Collection method: clinical testing. Allele origin: germline.
Comment: This variant was observed in the ICSL laboratory as part of a predisposition screen in an ostensibly healthy population. It had not been previously curated by ICSL or reported in the Human Gene Mutation Database (HGMD: prior to June 1st, 2018), and was therefore a candidate for classification through an automated scoring system. Utilizing variant allele frequency, disease prevalence and penetrance estimates, and inheritance mode, an automated score was calculated to assess if this variant is too frequent to cause the disease. Based on the score and internal cut-off values, a variant classified as likely benign is not then subjected to further curation. The score for this variant resulted in a classification of likely benign for this disease.